The following is an entry in ClinVar:

NM_000554.6(CRX):c.164dup (p.Ala56fs)

Gene: CRX (cone-rod homeobox; plus strand). Cytogenetic location: 19q13.33.
Variant type: Duplication.
Coding change: c.164dup on transcript NM_000554.6 (MANE Select); coding-DNA position 164, one base duplicated (A; older notation c.164dupA).
Protein change: p.Ala56fs; shifts the reading frame from alanine 56.
Molecular consequence: frameshift variant.
Genome position (GRCh38, 1-based): chr19:47,836,306, A duplicated. VCF-style (leftmost placement, unchanged base first): chr19-47836305-G-GA. GRCh37 (hg19) VCF-style: chr19-48339562-G-GA.
Other names: short protein forms A56fs.
Identifiers: ClinVar variation 523984 (VCV000523984.2), dbSNP rs1555801777, ClinGen allele CA658799258.

ClinVar aggregate classification (germline): Likely pathogenic (1 of 4 stars; one submission).

Submission:

GeneDx
Classification: Likely pathogenic. Last evaluated: 2018-03-26. Review status: criteria provided, single submitter. Criteria: GeneDx Variant Classification (06012015). Collection method: clinical testing. Allele origin: germline. Affected: yes.
Comment: The c.164dupA variant in the CRX gene has not been reported previously as a pathogenic variant nor as a benign variant, to our knowledge. The c.164dupA variant causes a frameshift starting with codon Alanine 56, changes this amino acid to a Glycine residue, and creates a premature Stop codon at position 15 of the new reading frame, denoted p.Ala56GlyfsX15. This variant is predicted to cause loss of normal protein function through protein truncation, as the last 244 amino acids are lost and replaced with 14 incorrect amino acids. The c.164dupA variant is not observed in large population cohorts (Lek et al., 2016). We interpret c.164dupA as a likely pathogenic variant.